The following is an entry in ClinVar:

NM_000551.4(VHL):c.340+705G>A

Genes: VHL (von Hippel-Lindau tumor suppressor; plus strand), LOC107303340 (3p25 von Hippel-Lindau tumor suppressor, E3 ubiquitin protein ligase Alu-mediated recombination region; plus strand). Cytogenetic location: 3p25.3.
Variant type: single nucleotide variant.
Coding change: c.340+705G>A on transcript NM_000551.4 (MANE Select); 705 bases into the intron after coding-DNA position 340, G replaced by A.
Molecular consequence: intron variant. On other transcripts: missense variant (1).
Genome position (GRCh38, 1-based): chr3:10,142,892, G>A. VCF-style: chr3-10142892-G-A. GRCh37 (hg19) VCF-style: chr3-10184576-G-A.
Other names: c.470G>A, p.Arg157His (NM_001354723.2); c.340+705G>A (NM_198156.3); short protein forms R157H.
Identifiers: ClinVar variation 844632 (VCV000844632.9), dbSNP rs1411141967, ClinGen allele CA896160281.

ClinVar aggregate classification (germline): Likely benign. Review status: criteria provided, multiple submitters, no conflicts (2 of 4 stars). 2 submissions from 2 submitters: Likely benign (2). Last evaluated 2026-02-01.

Conditions:
Chuvash polycythemia. Also called: POLYCYTHEMIA, VHL-DEPENDENT. Identifiers: Orphanet 238557, MedGen C1837915, MONDO:0009892, OMIM 263400.
Von Hippel-Lindau syndrome (VHLS). Also called: Von Hippel-Lindau; von Hippel–Lindau syndrome; VHL syndrome. Identifiers: Orphanet 892, MedGen C0019562, MONDO:0008667, OMIM 193300. Disease mechanism: loss of function.
VHL-related disorder. Also called: VHL-related condition.

Allele frequency attached by ClinVar (database versions not stated): TOPMed 0.00002; gnomAD 0.00003.

Submissions (2):

Labcorp Genetics (formerly Invitae), Labcorp
Classification: Likely benign for Von Hippel-Lindau syndrome; Chuvash polycythemia. Last evaluated: 2026-02-01. Review status: criteria provided, single submitter. Criteria: Invitae Variant Classification Sherloc (09022015). Collection method: clinical testing. Allele origin: germline.

PreventionGenetics, part of Exact Sciences
Classification: Likely benign for VHL-related condition. Last evaluated: 2025-11-22. Review status: criteria provided, single submitter. Criteria: ACMG Guidelines, 2015. Collection method: clinical testing. Allele origin: germline.
Comment: This variant is classified as likely benign based on ACMG/AMP sequence variant interpretation guidelines (Richards et al. 2015 PMID: 25741868, with internal and published modifications).